The following is an entry in ClinVar:

NM_000257.4(MYH7):c.2139C>G (p.Ile713Met)

Gene: MYH7 (myosin heavy chain 7; minus strand). Cytogenetic location: 14q11.2.
Variant type: single nucleotide variant.
Coding change: c.2139C>G on transcript NM_000257.4 (MANE Select); coding-DNA position 2139, C replaced by G.
Protein change: p.Ile713Met; replaces isoleucine 713 with methionine.
Molecular consequence: missense variant.
Genome position (GRCh38, 1-based): chr14:23,425,987, G>C on the plus strand (C>G on the coding strand, the complement: MYH7 is on the minus strand). VCF-style: chr14-23425987-G-C. GRCh37 (hg19) VCF-style: chr14-23895196-G-C.
Other names: c.2139C>G, p.Ile713Met (NM_001407004.1); short protein forms I713M.
Identifiers: ClinVar variation 2109985 (VCV002109985.4), dbSNP rs1595083774, ClinGen allele CA389049049.

ClinVar aggregate classification (germline): Uncertain significance (1 of 4 stars; one submission).

Conditions:
Hypertrophic cardiomyopathy. Also called: HYPERTROPHIC MYOCARDIOPATHY. Identifiers: Orphanet 217569, MedGen C0007194, MeSH D002312, MONDO:0005045, HP:0001639.

Submission:

Labcorp Genetics (formerly Invitae), Labcorp
Classification: Uncertain significance for Hypertrophic cardiomyopathy. Last evaluated: 2022-03-12. Review status: criteria provided, single submitter. Criteria: Invitae Variant Classification Sherloc (09022015). Collection method: clinical testing. Allele origin: germline.
Comment: In summary, the available evidence is currently insufficient to determine the role of this variant in disease. Therefore, it has been classified as a Variant of Uncertain Significance. This variant is found within a region of MYH7 between codons 181 and 937 that contains the majority of the myosin head domain. Missense variants in this region have been shown to be significantly overrepresented in individuals with hypertrophic cardiomyopathy (PMID: 27532257). Algorithms developed to predict the effect of missense changes on protein structure and function are either unavailable or do not agree on the potential impact of this missense change (SIFT: "Deleterious"; PolyPhen-2: "Probably Damaging"; Align-GVGD: "Class C0"). This variant has not been reported in the literature in individuals affected with MYH7-related conditions. This variant is not present in population databases (gnomAD no frequency). This sequence change replaces isoleucine, which is neutral and non-polar, with methionine, which is neutral and non-polar, at codon 713 of the MYH7 protein (p.Ile713Met).

Literature cited by the submitters: PubMed 27532257.